The following is an entry in ClinVar:

NM_001321075.3(DLG4):c.1407G>C (p.Glu469Asp)

Gene: DLG4 (discs large MAGUK scaffold protein 4; minus strand). Cytogenetic location: 17p13.1.
Variant type: single nucleotide variant.
Coding change: c.1407G>C on transcript NM_001321075.3 (MANE Select); coding-DNA position 1407, G replaced by C.
Protein change: p.Glu469Asp; replaces glutamic acid 469 with aspartic acid.
Molecular consequence: missense variant. On other transcripts: non-coding transcript variant (1).
Genome position (GRCh38, 1-based): chr17:7,194,390, C>G on the plus strand (G>C on the coding strand, the complement: DLG4 is on the minus strand). VCF-style: chr17-7194390-C-G. GRCh37 (hg19) VCF-style: chr17-7097709-C-G.
Other names: c.1398G>C, p.Glu466Asp (NM_001128827.4); c.1527G>C, p.Glu509Asp (NM_001321074.1); c.1227G>C, p.Glu409Asp (NM_001321076.3, NM_001321077.3); c.1536G>C, p.Glu512Asp (NM_001365.5); c.1326G>C, p.Glu442Asp (NM_001369566.3); short protein forms E409D, E442D, E466D, E469D, E509D, E512D.
Identifiers: ClinVar variation 5041596 (VCV005041596.1).

ClinVar aggregate classification (germline): Uncertain significance (1 of 4 stars; one submission).

gnomAD v4.1: 2 of 1,613,048 alleles (0.00012%); highest among the groups gnomAD compares: Admixed American, 0.0017%; no homozygotes.

Submission:

CeGaT Center for Human Genetics Tuebingen
Classification: Uncertain significance. Last evaluated: 2026-09-01. Review status: criteria provided, single submitter. Criteria: CeGaT Center For Human Genetics Tuebingen Variant Classification Criteria Version 2. Collection method: clinical testing. Allele origin: germline. Affected: yes. Observed: 1 variant allele.
Comment: DLG4: PP2